The following is an entry in ClinVar:

ClinVar aggregate classification (germline): Benign/Likely benign. Review status: criteria provided, multiple submitters, no conflicts (2 of 4 stars). 3 submissions from 3 submitters: Benign (1); Likely benign (2). Last evaluated 2025-11-08.

Conditions:
Hereditary nonpolyposis colorectal neoplasms. Identifiers: MedGen C0009405, MeSH D003123.
Hereditary cancer-predisposing syndrome. Also called: Hereditary Cancer Syndrome; Neoplastic Syndromes, Hereditary; Tumor predisposition; Hereditary neoplastic syndrome. Identifiers: Orphanet 140162, MedGen C0027672, MeSH D009386, MONDO:0015356.
Lynch syndrome 5 (LYNCH5). Also called: Colorectal cancer, hereditary nonpolyposis, type 5; Hereditary non-polyposis colorectal cancer, type 5. Identifiers: Orphanet 144, MedGen C1833477, MONDO:0013710, OMIM 614350. Disease mechanism: loss of function.

Submissions (3):

Ambry Genetics
Classification: Likely benign for Hereditary cancer-predisposing syndrome. Last evaluated: 2025-11-08. Review status: criteria provided, single submitter. Criteria: Ambry Variant Classification Scheme 2023. Collection method: clinical testing. Allele origin: germline.

Myriad Genetics, Inc.
Classification: Benign for Lynch syndrome 5. Last evaluated: 2024-12-30. Review status: criteria provided, single submitter. Criteria: Myriad Autosomal Dominant, Autosomal Recessive and X-Linked Classification Criteria (2023). Collection method: clinical testing. Allele origin: unknown.
Comment: This variant is considered benign. This variant is a silent/synonymous amino acid change and it is not expected to impact splicing.

Labcorp Genetics (formerly Invitae), Labcorp
Classification: Likely benign for Hereditary nonpolyposis colorectal neoplasms. Last evaluated: 2023-12-10. Review status: criteria provided, single submitter. Criteria: Invitae Variant Classification Sherloc (09022015). Collection method: clinical testing. Allele origin: germline.

NM_000179.3(MSH6):c.2203C>T (p.Leu735=)

Gene: MSH6 (mutS homolog 6; plus strand). Cytogenetic location: 2p16.3.
Variant type: single nucleotide variant.
Coding change: c.2203C>T on transcript NM_000179.3 (MANE Select); coding-DNA position 2203, C replaced by T.
Protein change: p.Leu735=; no amino-acid change (leucine 735 retained).
Molecular consequence: synonymous variant. On other transcripts: non-coding transcript variant (5), intron variant (2).
Genome position (GRCh38, 1-based): chr2:47,800,186, C>T. VCF-style: chr2-47800186-C-T. GRCh37 (hg19) VCF-style: chr2-48027325-C-T.
Other names: c.1813C>T, p.Leu605= (NM_001281492.2); c.1297C>T, p.Leu433= (NM_001281493.2, NM_001281494.2, NM_001406811.1 and 6 more transcripts); c.2299C>T, p.Leu767= (NM_001406795.1, NM_001406802.1); c.2203C>T, p.Leu735= (NM_001406796.1, NM_001406798.1, NM_001406800.1 and 3 more transcripts); c.1906C>T, p.Leu636= (NM_001406797.1, NM_001406801.1, NM_001406805.1 and 10 more transcripts); c.1678C>T, p.Leu560= (NM_001406799.1, NM_001406806.1, NM_001406807.1); c.2125C>T, p.Leu709= (NM_001406804.1); c.2209C>T, p.Leu737= (NM_001406813.1); and 3 more.
Identifiers: ClinVar variation 2797470 (VCV002797470.5), dbSNP rs786204071, ClinGen allele CA426121734.